The following is an entry in ClinVar:

NM_020338.4(ZMIZ1):c.1052del (p.Met351fs)

Gene: ZMIZ1 (zinc finger MIZ-type containing 1; plus strand). Cytogenetic location: 10q22.3.
Variant type: Deletion.
Coding change: c.1052del on transcript NM_020338.4 (MANE Select); coding-DNA position 1052, one base deleted (T; older notation c.1052delT).
Protein change: p.Met351fs; shifts the reading frame from methionine 351.
Molecular consequence: frameshift variant.
Genome position (GRCh38, 1-based): chr10:79,293,475, T deleted. VCF-style (leftmost placement, unchanged base first): chr10-79293474-AT-A. GRCh37 (hg19) VCF-style: chr10-81053231-AT-A.
Other names: short protein forms M351fs.
Identifiers: ClinVar variation 4880564 (VCV004880564.2).

ClinVar aggregate classification (germline): Likely pathogenic (1 of 4 stars; one submission).

Submission:

Dasa
Classification: Likely pathogenic. Last evaluated: 2025-02-04. Review status: criteria provided, single submitter. Criteria: DASA Assertion Criteria. Collection method: clinical testing. Allele origin: germline.
Comment: NM_020338.4(ZMIZ1):c.1052del (p.Met351Argfs*5) is a frameshift variant in ZMIZ1 predicted to alter the reading frame and introduce a premature termination codon and is predicted to result in an absent or altered protein product. Loss of function is an established disease mechanism for ZMIZ1-associated disorders. Also, this variant is absent from population databases. Based on the currently available evidence, this variant is classified as likely pathogenic.